The following is an entry in ClinVar:

ClinVar aggregate classification (germline): Uncertain significance. Review status: criteria provided, single submitter (1 of 4 stars). 2 submissions from 2 submitters: Uncertain significance (1). 1 of the submissions does not count toward it. Last evaluated 2021-09-06.

Conditions:
ARL6-related disorder. Also called: ARL6-related condition.

gnomAD v4.1: 10 of 1,612,946 alleles (0.00062%); highest among the groups gnomAD compares: Non-Finnish European, 0.00085%; no homozygotes.

Submissions (2):

Blueprint Genetics
Classification: Uncertain significance. Last evaluated: 2021-09-06. Review status: criteria provided, single submitter. Criteria: ACMG Guidelines, 2015. Collection method: clinical testing. Allele origin: germline.

PreventionGenetics, part of Exact Sciences
Classification: Uncertain significance for ARL6-related condition. Last evaluated: 2023-12-07. Review status: no assertion criteria provided. Collection method: clinical testing. Allele origin: germline. Not counted in ClinVar's aggregate classification.
Comment: The ARL6 c.55C>G variant is predicted to result in the amino acid substitution p.His19Asp. To our knowledge, this variant has not been reported in the literature. This variant is reported in 0.0018% of alleles in individuals of European (Non-Finnish) descent in gnomAD. At this time, the clinical significance of this variant is uncertain due to the absence of conclusive functional and genetic evidence.

NM_001278293.3(ARL6):c.55C>G (p.His19Asp)

Gene: ARL6 (ARF like GTPase 6; plus strand). Cytogenetic location: 3q11.2.
Variant type: single nucleotide variant.
Coding change: c.55C>G on transcript NM_001278293.3 (MANE Select); coding-DNA position 55, C replaced by G.
Protein change: p.His19Asp; replaces histidine 19 with aspartic acid.
Molecular consequence: missense variant. On other transcripts: non-coding transcript variant (7).
Genome position (GRCh38, 1-based): chr3:97,768,162, C>G. VCF-style: chr3-97768162-C-G. GRCh37 (hg19) VCF-style: chr3-97487006-C-G.
Other names: c.55C>G, p.His19Asp (NM_001323513.2, NM_001323514.2, NM_032146.5 and 1 more transcripts); short protein forms H19D.
Identifiers: ClinVar variation 3353932 (VCV003353932.2).